The following is an entry in ClinVar:

ClinVar aggregate classification (germline): Uncertain significance (1 of 4 stars; one submission).

Conditions:
Dyskeratosis congenita. Identifiers: Orphanet 1775, MedGen C0265965, MONDO:0015780.

Allele frequency attached by ClinVar (database versions not stated): gnomAD exomes below 0.00001 and 0.00001.
gnomAD v4.1: 4 of 1,613,920 alleles (0.00025%); highest among the groups gnomAD compares: Admixed American, 0.0017%; no homozygotes.

Submission:

Labcorp Genetics (formerly Invitae), Labcorp
Classification: Uncertain significance for Dyskeratosis congenita. Last evaluated: 2019-08-23. Review status: criteria provided, single submitter. Criteria: Invitae Variant Classification Sherloc (09022015). Collection method: clinical testing. Allele origin: germline.
Comment: This sequence change replaces arginine with glutamine at codon 646 of the CTC1 protein (p.Arg646Gln). The arginine residue is moderately conserved and there is a small physicochemical difference between arginine and glutamine. This variant is not present in population databases (ExAC no frequency). This variant has not been reported in the literature in individuals with CTC1-related conditions. Algorithms developed to predict the effect of missense changes on protein structure and function output the following: SIFT: "Tolerated"; PolyPhen-2: "Benign"; Align-GVGD: "Class C0". The glutamine amino acid residue is found in multiple mammalian species, suggesting that this missense change does not adversely affect protein function. These predictions have not been confirmed by published functional studies and their clinical significance is uncertain. Algorithms developed to predict the effect of sequence changes on RNA splicing suggest that this variant may create or strengthen a splice site, but this prediction has not been confirmed by published transcriptional studies. In summary, the available evidence is currently insufficient to determine the role of this variant in disease. Therefore, it has been classified as a Variant of Uncertain Significance.

NM_025099.6(CTC1):c.1937G>A (p.Arg646Gln)

Gene: CTC1 (CST telomere replication complex component 1; minus strand). Cytogenetic location: 17p13.1.
Variant type: single nucleotide variant.
Coding change: c.1937G>A on transcript NM_025099.6 (MANE Select); coding-DNA position 1937, G replaced by A.
Protein change: p.Arg646Gln; replaces arginine 646 with glutamine.
Molecular consequence: missense variant. On other transcripts: non-coding transcript variant (1).
Genome position (GRCh38, 1-based): chr17:8,232,914, C>T on the plus strand (G>A on the coding strand, the complement: CTC1 is on the minus strand). VCF-style: chr17-8232914-C-T. GRCh37 (hg19) VCF-style: chr17-8136232-C-T.
Other names: short protein forms R646Q.
Identifiers: ClinVar variation 953365 (VCV000953365.9), dbSNP rs1243670945, ClinGen allele CA397980267.
Genomic context (GRCh38, chr17:8,232,914, plus strand): 5'-TATGAGAACCACCATCCCACTACCATCTTCTTTCCACATCTGAACTCCAAACCTATCAGC[C>T]GTGGGTCACTGAGGGGTTGAGAGTGCTTGGCCAGGAGCAGGCAGGGCAGGGAACCACTTT-3'
Protein context (NP_079375.3, residues 636-656): AKHSQPLSDP[Arg646Gln]LIGCLVRAER